The following is an entry in ClinVar:

NM_000170.3(GLDC):c.328C>T (p.Pro110Ser)

Gene: GLDC (glycine decarboxylase; minus strand). Cytogenetic location: 9p24.1.
Variant type: single nucleotide variant.
Coding change: c.328C>T on transcript NM_000170.3 (MANE Select); coding-DNA position 328, C replaced by T.
Protein change: p.Pro110Ser; replaces proline 110 with serine.
Molecular consequence: missense variant.
Genome position (GRCh38, 1-based): chr9:6,644,620, G>A on the plus strand (C>T on the coding strand, the complement: GLDC is on the minus strand). VCF-style: chr9-6644620-G-A. GRCh37 (hg19) VCF-style: chr9-6644620-G-A.
Other names: c.328C>T (NM_000170.2); short protein forms P110S.
Identifiers: ClinVar variation 1353997 (VCV001353997.4), dbSNP rs866641732, ClinGen allele CA188662528.

ClinVar aggregate classification (germline): Uncertain significance. Review status: criteria provided, multiple submitters, no conflicts (2 of 4 stars). 2 submissions from 2 submitters: Uncertain significance (2). Last evaluated 2023-10-12.

Conditions:
Glycine encephalopathy. Also called: Non-ketotic hyperglycinemia; Nonketotic hyperglycinemia. Identifiers: Orphanet 407, MedGen C0751748, MONDO:0011612, HP:0008288.

Allele frequency attached by ClinVar (database versions not stated): gnomAD exomes 0.00001; TOPMed 0.00001.

Submissions (2):

GeneDx
Classification: Uncertain significance. Last evaluated: 2023-10-12. Review status: criteria provided, single submitter. Criteria: GeneDx Variant Classification Process June 2021. Collection method: clinical testing. Allele origin: germline. Affected: yes.
Comment: Not observed at significant frequency in large population cohorts (gnomAD); In silico analysis supports that this missense variant has a deleterious effect on protein structure/function; Has not been previously published as pathogenic or benign to our knowledge

Labcorp Genetics (formerly Invitae), Labcorp
Classification: Uncertain significance for Glycine encephalopathy. Last evaluated: 2022-01-13. Review status: criteria provided, single submitter. Criteria: Invitae Variant Classification Sherloc (09022015). Collection method: clinical testing. Allele origin: germline.
Comment: This sequence change replaces proline, which is neutral and non-polar, with serine, which is neutral and polar, at codon 110 of the GLDC protein (p.Pro110Ser). This variant is present in population databases (no rsID available, gnomAD 0.003%). This variant has not been reported in the literature in individuals affected with GLDC-related conditions. Advanced modeling of protein sequence and biophysical properties (such as structural, functional, and spatial information, amino acid conservation, physicochemical variation, residue mobility, and thermodynamic stability) performed at Invitae indicates that this missense variant is not expected to disrupt GLDC protein function. In summary, the available evidence is currently insufficient to determine the role of this variant in disease. Therefore, it has been classified as a Variant of Uncertain Significance.